The following is an entry in ClinVar:

NM_007194.4(CHEK2):c.234_262del (p.Gln78fs)

Gene: CHEK2 (checkpoint kinase 2; minus strand). Cytogenetic location: 22q12.1.
Variant type: Deletion.
Coding change: c.234_262del on transcript NM_007194.4 (MANE Select); coding-DNA positions 234 to 262, 29 bases deleted (AGAACCTGAGGACCAAGAACCTGAGGAGC).
Protein change: p.Gln78fs; shifts the reading frame from glutamine 78.
Molecular consequence: frameshift variant.
Genome position (GRCh38, 1-based): chr22:28,734,460-28,734,488, GCTCCTCAGGTTCTTGGTCCTCAGGTTCT deleted on the plus strand (AGAACCTGAGGACCAAGAACCTGAGGAGC on the coding strand, the reverse complement: CHEK2 is on the minus strand). VCF-style (leftmost placement, unchanged base first): chr22-28734459-GGCTCCTCAGGTTCTTGGTCCTCAGGTTCT-G. GRCh37 (hg19) VCF-style: chr22-29130447-GGCTCCTCAGGTTCTTGGTCCTCAGGTTCT-G.
Other names: c.234_262del29, p.Gln78Hisfs (NM_001005735.3, NM_001349956.3, NM_145862.3); c.-544_-516del29 (NM_001257387.3); short protein forms Q78fs.
Identifiers: ClinVar variation 840255 (VCV000840255.8), dbSNP rs2054316045, ClinGen allele CA916083809.
Genomic context (GRCh38, chr22:28,734,459, plus strand): 5'-TTACCAAGATTGGCAAATCCATCCTGAAGGGCCCATAATCGAGCCCAGGGGGCAGGGGTA[GGCTCCTCAGGTTCTTGGTCCTCAGGTTCT>G]TGGTCCTCAGGAATAGAATAGAGTTCCTGAGTGGACACTGTCTCTAAGGAGCTCAGTGTC-3'

ClinVar aggregate classification (germline): Pathogenic (1 of 4 stars; one submission).

Conditions:
Familial cancer of breast. Also called: Hereditary breast cancer; hereditary breast carcinoma; BREAST CANCER, FAMILIAL. Identifiers: Orphanet 227535, MedGen C0346153, MONDO:0016419, OMIM 114480. Disease mechanism: loss of function.

Submission:

Labcorp Genetics (formerly Invitae), Labcorp
Classification: Pathogenic for Familial cancer of breast. Last evaluated: 2019-01-31. Review status: criteria provided, single submitter. Criteria: Invitae Variant Classification Sherloc (09022015). Collection method: clinical testing. Allele origin: germline.
Comment: For these reasons, this variant has been classified as Pathogenic. Loss-of-function variants in CHEK2 are known to be pathogenic (PMID: 21876083, 24713400). This variant has not been reported in the literature in individuals with CHEK2-related conditions. This variant is not present in population databases (ExAC no frequency). This sequence change creates a premature translational stop signal (p.Gln78Hisfs*20) in the CHEK2 gene. It is expected to result in an absent or disrupted protein product.

Literature cited by the submitters: PubMed 21876083; PubMed 24713400.